The following is an entry in ClinVar:

NC_000019.9:g.(?_48618906)_(48622467_?)dup

Gene: LIG1 (DNA ligase 1; minus strand). Cytogenetic location: 19q13.33.
Variant type: Duplication.
Identifiers: ClinVar variation 1431073 (VCV001431073.4).

ClinVar aggregate classification (germline): Uncertain significance (1 of 4 stars; one submission).

Submission:

Labcorp Genetics (formerly Invitae), Labcorp
Classification: Uncertain significance. Last evaluated: 2021-04-06. Review status: criteria provided, single submitter. Criteria: Invitae Variant Classification Sherloc (09022015). Collection method: clinical testing. Allele origin: germline.
Comment: This variant results in a copy number gain of the genomic region encompassing exon(s) 25-28 of the LIG1 gene. The 5' boundary is likely confined to intron 24. The 3' end of this event is unknown as it extends beyond the assayed region for this gene and therefore may encompass additional genes. As the precise location of this event is unknown, it may be in tandem or it may be located elsewhere in the genome. In summary, the available evidence is currently insufficient to determine the role of this variant in disease. Therefore, it has been classified as a Variant of Uncertain Significance. This variant has not been reported in the literature in individuals with LIG1-related conditions.